The following is an entry in ClinVar:

NM_001875.5(CPS1):c.1569A>G (p.Arg523=)

Gene: CPS1 (carbamoyl-phosphate synthase 1; plus strand). Cytogenetic location: 2q34.
Variant type: single nucleotide variant.
Coding change: c.1569A>G on transcript NM_001875.5 (MANE Select); coding-DNA position 1569, A replaced by G.
Protein change: p.Arg523=; no amino-acid change (arginine 523 retained).
Molecular consequence: synonymous variant. On other transcripts: non-coding transcript variant (2).
Genome position (GRCh38, 1-based): chr2:210,600,574, A>G. VCF-style: chr2-210600574-A-G. GRCh37 (hg19) VCF-style: chr2-211465298-A-G.
Other names: c.1569A>G (LRG_336t1); c.1569A>G, p.Arg523= (NM_001122633.3, NM_001369257.1); c.1602A>G, p.Arg534= (NM_001369256.1).
Identifiers: ClinVar variation 512285 (VCV000512285.25), dbSNP rs140475976, ClinGen allele CA2086403.

ClinVar aggregate classification (germline): Conflicting classifications of pathogenicity. Review status: criteria provided, conflicting classifications (1 of 4 stars). 5 submissions from 5 submitters: Uncertain significance (1); Likely benign (4). Last evaluated 2026-01-29.

Conditions:
Congenital hyperammonemia, type I. Also called: Hyperammonemia due to carbamoyl phosphate synthetase 1 deficiency; CPS 1 deficiency; Carbamyl phosphate synthetase (CPS) deficiency; Carbamoyl phosphate synthetase I deficiency disease; Carbamoyl-phosphate synthase I deficiency; CPS I DEFICIENCY. Identifiers: Orphanet 147, MedGen C4082171, MONDO:0009376, OMIM 237300.

Allele frequency attached by ClinVar (database versions not stated): gnomAD exomes 0.00030 and 0.00028; 1000 Genomes Project 30x 0.00016; 1000 Genomes Project 0.00020; ESP Exome Variant Server 0.00023; TOPMed 0.00024; gnomAD 0.00026 and 0.00028; ExAC 0.00028.
gnomAD v4.1: 491 of 1,612,146 alleles (0.03%); highest among the groups gnomAD compares: Middle Eastern, 0.17%; no homozygotes.

Submissions (5):

Labcorp Genetics (formerly Invitae), Labcorp
Classification: Likely benign for Congenital hyperammonemia, type I. Last evaluated: 2026-01-29. Review status: criteria provided, single submitter. Criteria: Invitae Variant Classification Sherloc (09022015). Collection method: clinical testing. Allele origin: germline.

CeGaT Center for Human Genetics Tuebingen
Classification: Likely benign. Last evaluated: 2025-12-01. Review status: criteria provided, single submitter. Criteria: CeGaT Center For Human Genetics Tuebingen Variant Classification Criteria Version 2. Collection method: clinical testing. Allele origin: germline. Affected: yes. Observed: 1 variant allele.
Comment: CPS1: BP4, BP7

Blueprint Genetics
Classification: Likely benign. Last evaluated: 2024-11-21. Review status: criteria provided, single submitter. Criteria: ACMG Guidelines, 2015. Collection method: clinical testing. Allele origin: germline.

GeneDx
Classification: Likely benign. Last evaluated: 2018-05-09. Review status: criteria provided, single submitter. Criteria: GeneDx Variant Classification Process June 2021. Collection method: clinical testing. Allele origin: germline. Affected: yes.

Illumina Laboratory Services, Illumina
Classification: Uncertain significance for Congenital hyperammonemia, type I. Last evaluated: 2018-01-13. Review status: criteria provided, single submitter. Criteria: ICSL Variant Classification Criteria 13 December 2019. Collection method: clinical testing. Allele origin: germline.